The following is an entry in ClinVar:

ClinVar aggregate classification (germline): Uncertain significance (1 of 4 stars; one submission).

Conditions:
Inborn genetic diseases. Identifiers: MedGen C0950123, MeSH D030342.

Submission:

Ambry Genetics
Classification: Uncertain significance for Inborn genetic diseases. Last evaluated: 2025-06-23. Review status: criteria provided, single submitter. Criteria: Ambry Variant Classification Scheme 2023. Collection method: clinical testing. Allele origin: germline.
Comment: The p.N541S variant (also known as c.1622A>G), located in coding exon 16 of the ANKRD26 gene, results from an A to G substitution at nucleotide position 1622. The asparagine at codon 541 is replaced by serine, an amino acid with highly similar properties. This amino acid position is conserved. In addition, this alteration is predicted to be tolerated by in silico analysis. Based on the available evidence, the clinical significance of this variant remains unclear.

NM_014915.3(ANKRD26):c.1622A>G (p.Asn541Ser)

Gene: ANKRD26 (ankyrin repeat domain containing 26; minus strand). Cytogenetic location: 10p12.1.
Variant type: single nucleotide variant.
Coding change: c.1622A>G on transcript NM_014915.3 (MANE Select); coding-DNA position 1622, A replaced by G.
Protein change: p.Asn541Ser; replaces asparagine 541 with serine.
Molecular consequence: missense variant.
Genome position (GRCh38, 1-based): chr10:27,053,333, T>C on the plus strand (A>G on the coding strand, the complement: ANKRD26 is on the minus strand). VCF-style: chr10-27053333-T-C. GRCh37 (hg19) VCF-style: chr10-27342262-T-C.
Other names: c.1622A>G, p.Asn541Ser (NM_001256053.2); short protein forms N541S.
Identifiers: ClinVar variation 4102958 (VCV004102958.1).